The following is an entry in ClinVar:

NM_005911.6(MAT2A):c.17A>G (p.Asn6Ser)

Gene: MAT2A (methionine adenosyltransferase 2A; plus strand). Cytogenetic location: 2p11.2.
Variant type: single nucleotide variant.
Coding change: c.17A>G on transcript NM_005911.6 (MANE Select); coding-DNA position 17, A replaced by G.
Protein change: p.Asn6Ser; replaces asparagine 6 with serine.
Molecular consequence: missense variant.
Genome position (GRCh38, 1-based): chr2:85,539,304, A>G. VCF-style: chr2-85539304-A-G. GRCh37 (hg19) VCF-style: chr2-85766427-A-G.
Other names: short protein forms N6S.
Identifiers: ClinVar variation 1003635 (VCV001003635.8), dbSNP rs779310038, ClinGen allele CA1741268.

ClinVar aggregate classification (germline): Uncertain significance (1 of 4 stars; one submission).

Conditions:
Familial thoracic aortic aneurysm and aortic dissection (TAAD). Also called: Thoracic aortic aneurysms and dissections. Identifiers: Orphanet 91387, MedGen C4707243, MONDO:0019625.

Allele frequency attached by ClinVar (database versions not stated): ExAC 0.00001; gnomAD exomes 0.00001.
gnomAD v4.1: 3 of 1,605,590 alleles (0.00019%); highest among the groups gnomAD compares: Non-Finnish European, 0.00025%; no homozygotes.

Submission:

Labcorp Genetics (formerly Invitae), Labcorp
Classification: Uncertain significance for Familial thoracic aortic aneurysm and aortic dissection. Last evaluated: 2020-08-23. Review status: criteria provided, single submitter. Criteria: Invitae Variant Classification Sherloc (09022015). Collection method: clinical testing. Allele origin: germline.
Comment: This sequence change replaces asparagine with serine at codon 6 of the MAT2A protein (p.Asn6Ser). The asparagine residue is moderately conserved and there is a small physicochemical difference between asparagine and serine. The frequency data for this variant in the population databases is considered unreliable, as metrics indicate poor data quality at this position in the ExAC database. This variant has not been reported in the literature in individuals with MAT2A-related conditions. Algorithms developed to predict the effect of missense changes on protein structure and function (SIFT, PolyPhen-2, Align-GVGD) all suggest that this variant is likely to be tolerated, but these predictions have not been confirmed by published functional studies and their clinical significance is uncertain. In summary, the available evidence is currently insufficient to determine the role of this variant in disease. Therefore, it has been classified as a Variant of Uncertain Significance.